The following is an entry in ClinVar:

ClinVar aggregate classification (germline): Uncertain significance (1 of 4 stars; one submission).

Submission:

Labcorp Genetics (formerly Invitae), Labcorp
Classification: Uncertain significance. Last evaluated: 2022-04-24. Review status: criteria provided, single submitter. Criteria: Invitae Variant Classification Sherloc (09022015). Collection method: clinical testing. Allele origin: germline.
Comment: In summary, the available evidence is currently insufficient to determine the role of this variant in disease. Therefore, it has been classified as a Variant of Uncertain Significance. Advanced modeling of protein sequence and biophysical properties (such as structural, functional, and spatial information, amino acid conservation, physicochemical variation, residue mobility, and thermodynamic stability) performed at Invitae indicates that this missense variant is not expected to disrupt ABCA4 protein function. This variant has not been reported in the literature in individuals affected with ABCA4-related conditions. This variant is not present in population databases (gnomAD no frequency). This sequence change replaces aspartic acid, which is acidic and polar, with asparagine, which is neutral and polar, at codon 1079 of the ABCA4 protein (p.Asp1079Asn).

NM_000350.3(ABCA4):c.3235G>A (p.Asp1079Asn)

Gene: ABCA4 (ATP binding cassette subfamily A member 4; minus strand). Cytogenetic location: 1p22.1.
Variant type: single nucleotide variant.
Coding change: c.3235G>A on transcript NM_000350.3 (MANE Select); coding-DNA position 3235, G replaced by A.
Protein change: p.Asp1079Asn; replaces aspartic acid 1079 with asparagine.
Molecular consequence: missense variant.
Genome position (GRCh38, 1-based): chr1:94,042,854, C>T on the plus strand (G>A on the coding strand, the complement: ABCA4 is on the minus strand). VCF-style: chr1-94042854-C-T. GRCh37 (hg19) VCF-style: chr1-94508410-C-T.
Other names: c.3013G>A, p.Asp1005Asn (NM_001425324.1); short protein forms D1079N, D1005N.
Identifiers: ClinVar variation 2129919 (VCV002129919.4), dbSNP rs1029012582, ClinGen allele CA26865556.